The following is an entry in ClinVar:

NM_000202.8(IDS):c.445T>G (p.Ser149Ala)

Genes: IDS (iduronate 2-sulfatase; minus strand), LOC106050102 (IDS recombination region; plus strand). Cytogenetic location: Xq28.
Variant type: single nucleotide variant.
Coding change: c.445T>G on transcript NM_000202.8 (MANE Select); coding-DNA position 445, T replaced by G.
Protein change: p.Ser149Ala; replaces serine 149 with alanine.
Molecular consequence: missense variant. On other transcripts: non-coding transcript variant (1).
Genome position (GRCh38, 1-based): chrX:149,501,011, A>C on the plus strand (T>G on the coding strand, the complement: IDS is on the minus strand). VCF-style: chrX-149501011-A-C. GRCh37 (hg19) VCF-style: chrX-148582542-A-C.
Other names: c.175T>G, p.Ser59Ala (NM_001166550.4); c.445T>G, p.Ser149Ala (NM_006123.5); c.445T>G (NM_000202.5); short protein forms S149A, S59A.
Identifiers: ClinVar variation 624448 (VCV000624448.58), dbSNP rs146846763, ClinGen allele CA10537658.

ClinVar aggregate classification (germline): Benign/Likely benign. Review status: criteria provided, multiple submitters, no conflicts (2 of 4 stars). 5 submissions from 5 submitters: Benign (1); Likely benign (3). 1 of the submissions does not count toward it. Last evaluated 2026-01-13.

Conditions:
Mucopolysaccharidosis, MPS-III-A (MPS3A). Also called: MUCOPOLYSACCHARIDOSIS, TYPE IIIA, ATTENUATED; SANFILIPPO SYNDROME A; SULFAMIDASE DEFICIENCY; Mucopolysaccharidosis type IIIA (Sanfilippo A); mucopolysaccharidosis type 3A; Mucopolysaccharidosis, type IIIA. Identifiers: Orphanet 581, Orphanet 79269, MedGen C0086647, MONDO:0009655, OMIM 252900.
Inborn genetic diseases. Identifiers: MedGen C0950123, MeSH D030342.
Mucopolysaccharidosis, MPS-II (MPS2). Also called: IDS deficiency; Sulfoiduronate sulfatase deficiency; SIDS deficiency; Mucopolysaccharidosis type 2; Mucopolysaccharidosis with skin involvement; Attenuated MPS (subtype; formerly known as mild MPS II). Identifiers: Orphanet 580, Orphanet 79388, MedGen C0026705, MONDO:0010674, OMIM 309900.

Allele frequency attached by ClinVar (database versions not stated): gnomAD exomes 0.00022 and 0.00019; 1000 Genomes Project 0.00026; ExAC 0.00027; gnomAD 0.00015 and 0.00017; TOPMed 0.00015; ESP Exome Variant Server 0.00019; 1000 Genomes Project 30x 0.00021.
gnomAD v4.1: 223 of 1,173,739 alleles (0.019%); highest among the groups gnomAD compares: Middle Eastern, 0.14%; no homozygotes.

Submissions (5):

Labcorp Genetics (formerly Invitae), Labcorp
Classification: Benign for Mucopolysaccharidosis, MPS-II. Last evaluated: 2026-01-13. Review status: criteria provided, single submitter. Criteria: Invitae Variant Classification Sherloc (09022015). Collection method: clinical testing. Allele origin: germline.

CeGaT Center for Human Genetics Tuebingen
Classification: Likely benign. Last evaluated: 2023-03-01. Review status: criteria provided, single submitter. Criteria: CeGaT Center For Human Genetics Tuebingen Variant Classification Criteria Version 2. Collection method: clinical testing. Allele origin: germline. Affected: yes. Observed: 4 variant alleles.
Comment: IDS: BS2

GeneDx
Classification: Likely benign. Last evaluated: 2018-06-20. Review status: criteria provided, single submitter. Criteria: GeneDx Variant Classification Process June 2021. Collection method: clinical testing. Allele origin: germline. Affected: yes.

Ambry Genetics
Classification: Likely benign for Inborn genetic diseases. Last evaluated: 2016-10-04. Review status: criteria provided, single submitter. Criteria: Ambry Variant Classification Scheme 2023. Collection method: clinical testing. Allele origin: germline.

Natera, Inc.
Classification: Likely benign for Mucopolysaccharidosis type IIIA. Last evaluated: 2019-10-28. Review status: no assertion criteria provided. Collection method: clinical testing. Allele origin: germline. Not counted in ClinVar's aggregate classification.